The following is an entry in ClinVar:

ClinVar aggregate classification (germline): Uncertain significance (1 of 4 stars; one submission).

Submission:

Labcorp Genetics (formerly Invitae), Labcorp
Classification: Uncertain significance. Last evaluated: 2025-09-28. Review status: criteria provided, single submitter. Criteria: Invitae Variant Classification Sherloc (09022015). Collection method: clinical testing. Allele origin: germline.
Comment: This sequence change replaces proline, which is neutral and non-polar, with leucine, which is neutral and non-polar, at codon 249 of the RELB protein (p.Pro249Leu). This variant is not present in population databases (gnomAD no frequency). This variant has not been reported in the literature in individuals affected with RELB-related conditions. An algorithm developed to predict the effect of missense changes on protein structure and function (PolyPhen-2) suggests that this variant is likely to be disruptive. In summary, the available evidence is currently insufficient to determine the role of this variant in disease. Therefore, it has been classified as a Variant of Uncertain Significance.

NM_006509.4(RELB):c.746C>T (p.Pro249Leu)

Gene: RELB (RELB proto-oncogene, NF-kB subunit; plus strand). Cytogenetic location: 19q13.32.
Variant type: single nucleotide variant.
Coding change: c.746C>T on transcript NM_006509.4 (MANE Select); coding-DNA position 746, C replaced by T.
Protein change: p.Pro249Leu; replaces proline 249 with leucine.
Molecular consequence: missense variant.
Genome position (GRCh38, 1-based): chr19:45,025,412, C>T. VCF-style: chr19-45025412-C-T. GRCh37 (hg19) VCF-style: chr19-45528670-C-T.
Other names: c.737C>T, p.Pro246Leu (NM_001411087.1); short protein forms P246L, P249L.
Identifiers: ClinVar variation 4727986 (VCV004727986.1).
Genomic context (GRCh38, chr19:45,025,412, plus strand): 5'-GTGTGAGGAAGAAGGAGATTGAGGCTGCCATTGAGCGGAAGATTCAACTGGGCATTGACC[C>T]CTACAACGGTGAGCACCCCCTGCCTGACCTGACCATCCCGTCCTCCCAAACCCCTTGACT-3'
Protein context (NP_006500.2, residues 239-259): IERKIQLGID[Pro249Leu]YNAGSLKNHQ